The following is an entry in ClinVar:

ClinVar aggregate classification (germline): Uncertain significance (1 of 4 stars; one submission).

Submission:

Labcorp Genetics (formerly Invitae), Labcorp
Classification: Uncertain significance. Last evaluated: 2026-01-06. Review status: criteria provided, single submitter. Criteria: Invitae Variant Classification Sherloc (09022015). Collection method: clinical testing. Allele origin: germline.
Comment: This sequence change replaces threonine, which is neutral and polar, with arginine, which is basic and polar, at codon 573 of the COL11A1 protein (p.Thr573Arg). This variant is not present in population databases (gnomAD no frequency). This variant has not been reported in the literature in individuals affected with COL11A1-related conditions. ClinVar contains an entry for this variant (Variation ID: 2749598). Invitae Evidence Modeling of protein sequence and biophysical properties (such as structural, functional, and spatial information, amino acid conservation, physicochemical variation, residue mobility, and thermodynamic stability) indicates that this missense variant is not expected to disrupt COL11A1 protein function with a negative predictive value of 80%. In summary, the available evidence is currently insufficient to determine the role of this variant in disease. Therefore, it has been classified as a Variant of Uncertain Significance.

NM_001854.4(COL11A1):c.1718C>G (p.Thr573Arg)

Gene: COL11A1 (collagen type XI alpha 1 chain; minus strand). Cytogenetic location: 1p21.1.
Variant type: single nucleotide variant.
Coding change: c.1718C>G on transcript NM_001854.4 (MANE Select); coding-DNA position 1718, C replaced by G.
Protein change: p.Thr573Arg; replaces threonine 573 with arginine.
Molecular consequence: missense variant. On other transcripts: non-coding transcript variant (1).
Genome position (GRCh38, 1-based): chr1:103,006,281, G>C on the plus strand (C>G on the coding strand, the complement: COL11A1 is on the minus strand). VCF-style: chr1-103006281-G-C. GRCh37 (hg19) VCF-style: chr1-103471837-G-C.
Other names: c.1370C>G, p.Thr457Arg (NM_001168249.1, NM_080630.4); c.1601C>G, p.Thr534Arg (NM_001190709.2); c.1754C>G, p.Thr585Arg (NM_080629.3); short protein forms T534R, T573R, T585R, T457R.
Identifiers: ClinVar variation 2749598 (VCV002749598.3), dbSNP rs202011565, ClinGen allele CA341175046.